The following is an entry in ClinVar:

NM_003482.4(KMT2D):c.6740C>G (p.Pro2247Arg)

Gene: KMT2D (lysine methyltransferase 2D; minus strand). Cytogenetic location: 12q13.12.
Variant type: single nucleotide variant.
Coding change: c.6740C>G on transcript NM_003482.4 (MANE Select); coding-DNA position 6740, C replaced by G.
Protein change: p.Pro2247Arg; replaces proline 2247 with arginine.
Molecular consequence: missense variant.
Genome position (GRCh38, 1-based): chr12:49,041,030, G>C on the plus strand (C>G on the coding strand, the complement: KMT2D is on the minus strand). VCF-style: chr12-49041030-G-C. GRCh37 (hg19) VCF-style: chr12-49434813-G-C.
Other names: short protein forms P2247R.
Identifiers: ClinVar variation 134688 (VCV000134688.1), dbSNP rs587778464, ClinGen allele CA160543.

ClinVar aggregate classification (germline): not provided (0 of 4 stars; one submission).

Allele frequency attached by ClinVar (database versions not stated): gnomAD exomes 0.00001.
gnomAD v4.1: 14 of 1,571,326 alleles (0.00089%); highest among the groups gnomAD compares: Non-Finnish European, 0.0011%; no homozygotes.

Submission:

ITMI
No classification provided. Condition: AllHighlyPenetrant. Last evaluated: 2013-09-19. Review status: no classification provided. Collection method: reference population. Allele origin: germline.
Comment: Please see associated publication for description of ethnicities

Literature cited by the submitters: PubMed 24728327.